The following is an entry in ClinVar:

NM_001330078.2(NRXN1):c.2532C>G (p.Phe844Leu)

Gene: NRXN1 (neurexin 1; minus strand). Cytogenetic location: 2p16.3.
Variant type: single nucleotide variant.
Coding change: c.2532C>G on transcript NM_001330078.2 (MANE Select); coding-DNA position 2532, C replaced by G.
Protein change: p.Phe844Leu; replaces phenylalanine 844 with leucine.
Molecular consequence: missense variant.
Genome position (GRCh38, 1-based): chr2:50,497,680, G>C on the plus strand (C>G on the coding strand, the complement: NRXN1 is on the minus strand). VCF-style: chr2-50497680-G-C. GRCh37 (hg19) VCF-style: chr2-50724818-G-C.
Other names: p.F884L:TTC>TTG; c.2652C>G, p.Phe884Leu (NM_001135659.3); c.2508C>G, p.Phe836Leu (NM_001330077.2, NM_001330082.2); c.2466C>G, p.Phe822Leu (NM_001330083.2, NM_001330084.2); c.2505C>G, p.Phe835Leu (NM_001330085.2); c.2532C>G, p.Phe844Leu (NM_001330086.2, NM_004801.6); c.2421C>G, p.Phe807Leu (NM_001330087.2, NM_001330096.2); c.2451C>G, p.Phe817Leu (NM_001330088.2); and 3 more; short protein forms F884L, F807L, F822L, F827L, F817L, F835L, F844L, F836L.
Identifiers: ClinVar variation 206280 (VCV000206280.4), dbSNP rs796052789, ClinGen allele CA316206.

ClinVar aggregate classification (germline): Uncertain significance. Review status: criteria provided, multiple submitters, no conflicts (2 of 4 stars). 2 submissions from 2 submitters: Uncertain significance (2). Last evaluated 2024-06-26.

Conditions:
Pitt-Hopkins-like syndrome 2 (PTHSL2). Identifiers: Orphanet 221150, Orphanet 600663, MedGen C3280479, MONDO:0013690, OMIM 614325.

Allele frequency attached by ClinVar (database versions not stated): gnomAD exomes below 0.00001; gnomAD 0.00001; TOPMed 0.00002.
gnomAD v4.1: 4 of 1,613,466 alleles (0.00025%); highest among the groups gnomAD compares: Middle Eastern, 0.016%; no homozygotes.

Submissions (2):

Labcorp Genetics (formerly Invitae), Labcorp
Classification: Uncertain significance for Pitt-Hopkins-like syndrome 2. Last evaluated: 2024-06-26. Review status: criteria provided, single submitter. Criteria: Invitae Variant Classification Sherloc (09022015). Collection method: clinical testing. Allele origin: germline.
Comment: This sequence change replaces phenylalanine, which is neutral and non-polar, with leucine, which is neutral and non-polar, at codon 884 of the NRXN1 protein (p.Phe884Leu). This variant is present in population databases (rs796052789, gnomAD 0.003%). This variant has not been reported in the literature in individuals affected with NRXN1-related conditions. ClinVar contains an entry for this variant (Variation ID: 206280). An algorithm developed to predict the effect of missense changes on protein structure and function (PolyPhen-2) suggests that this variant is likely to be disruptive. In summary, the available evidence is currently insufficient to determine the role of this variant in disease. Therefore, it has been classified as a Variant of Uncertain Significance.

GeneDx
Classification: Uncertain significance. Last evaluated: 2014-10-02. Review status: criteria provided, single submitter. Criteria: GeneDx Variant Classification (06012015). Collection method: clinical testing. Allele origin: germline. Affected: yes.
Comment: The F884L variant has not been published as a mutation, nor has it been reported as a benign polymorphism to our knowledge. It was not observed in approximately 6,000 individuals of European and African American ancestry in the NHLBI Exome Sequencing Project, indicating it is not a common benign variant in these populations. This substitution occurs at a position that is conserved across species. In silico analysis predicts this variant is probably damaging to the protein structure/function. However, the F884L variant is a conservative amino acid substitution, which is not likely to impact secondary protein structure as these residues share similar properties. Therefore, based on the currently available information, it is unclear whether this variant is a pathogenic mutation or a rare benign variant. The variant is found in CHILD-EPI panel(s).